The following is an entry in ClinVar:

ClinVar aggregate classification (germline): Uncertain significance (1 of 4 stars; one submission).

gnomAD v4.1: 2 of 1,614,122 alleles (0.00012%); highest among the groups gnomAD compares: Non-Finnish European, 0.000085%; no homozygotes.

Submission:

Labcorp Genetics (formerly Invitae), Labcorp
Classification: Uncertain significance. Last evaluated: 2024-02-23. Review status: criteria provided, single submitter. Criteria: Invitae Variant Classification Sherloc (09022015). Collection method: clinical testing. Allele origin: germline.
Comment: This sequence change replaces phenylalanine, which is neutral and non-polar, with leucine, which is neutral and non-polar, at codon 1690 of the SCN3A protein (p.Phe1690Leu). This variant is not present in population databases (gnomAD no frequency). This variant has not been reported in the literature in individuals affected with SCN3A-related conditions. Advanced modeling of protein sequence and biophysical properties (such as structural, functional, and spatial information, amino acid conservation, physicochemical variation, residue mobility, and thermodynamic stability) has been performed at Invitae for this missense variant, however the output from this modeling did not meet the statistical confidence thresholds required to predict the impact of this variant on SCN3A protein function. In summary, the available evidence is currently insufficient to determine the role of this variant in disease. Therefore, it has been classified as a Variant of Uncertain Significance.

NM_006922.4(SCN3A):c.5068T>C (p.Phe1690Leu)

Gene: SCN3A (sodium voltage-gated channel alpha subunit 3; minus strand). Cytogenetic location: 2q24.3.
Variant type: single nucleotide variant.
Coding change: c.5068T>C on transcript NM_006922.4 (MANE Select); coding-DNA position 5068, T replaced by C.
Protein change: p.Phe1690Leu; replaces phenylalanine 1690 with leucine.
Molecular consequence: missense variant.
Genome position (GRCh38, 1-based): chr2:165,091,085, A>G on the plus strand (T>C on the coding strand, the complement: SCN3A is on the minus strand). VCF-style: chr2-165091085-A-G. GRCh37 (hg19) VCF-style: chr2-165947595-A-G.
Other names: c.4921T>C, p.Phe1641Leu (NM_001081676.2, NM_001081677.2); short protein forms F1690L, F1641L.
Identifiers: ClinVar variation 3692130 (VCV003692130.2).